The following is an entry in ClinVar:

NM_001197104.2(KMT2A):c.11593G>A (p.Val3865Ile)

Genes: KMT2A (lysine methyltransferase 2A; plus strand), TTC36-AS1 (TTC36 and KMT2A antisense RNA 1; minus strand). Cytogenetic location: 11q23.3.
Variant type: single nucleotide variant.
Coding change: c.11593G>A on transcript NM_001197104.2 (MANE Select); coding-DNA position 11593, G replaced by A.
Protein change: p.Val3865Ile; replaces valine 3865 with isoleucine.
Molecular consequence: missense variant.
Genome position (GRCh38, 1-based): chr11:118,521,367, G>A. VCF-style: chr11-118521367-G-A. GRCh37 (hg19) VCF-style: chr11-118392082-G-A.
Other names: c.11593G>A (NM_001197104.1); c.11584G>A, p.Val3862Ile (NM_005933.4); short protein forms V3862I, V3865I.
Identifiers: ClinVar variation 1661233 (VCV001661233.11), dbSNP rs200134640, ClinGen allele CA6304999.

ClinVar aggregate classification (germline): Likely benign. Review status: criteria provided, multiple submitters, no conflicts (2 of 4 stars). 4 submissions from 4 submitters: Likely benign (4). Last evaluated 2026-08-01.

Conditions:
Inborn genetic diseases. Identifiers: MedGen C0950123, MeSH D030342.

Allele frequency attached by ClinVar (database versions not stated): TOPMed 0.00003; gnomAD exomes 0.00012 and 0.00026; gnomAD 0.00015 and 0.00016; ExAC 0.00021.
gnomAD v4.1: 191 of 1,613,922 alleles (0.012%); highest among the groups gnomAD compares: East Asian, 0.011%; no homozygotes.

Submissions (4):

CeGaT Center for Human Genetics Tuebingen
Classification: Likely benign. Last evaluated: 2026-08-01. Review status: criteria provided, single submitter. Criteria: CeGaT Center For Human Genetics Tuebingen Variant Classification Criteria Version 2. Collection method: clinical testing. Allele origin: germline. Affected: yes. Observed: 1 variant allele.
Comment: KMT2A: PP2, PP3, BS2

Labcorp Genetics (formerly Invitae), Labcorp
Classification: Likely benign. Last evaluated: 2025-10-20. Review status: criteria provided, single submitter. Criteria: Invitae Variant Classification Sherloc (09022015). Collection method: clinical testing. Allele origin: germline.

Blueprint Genetics
Classification: Likely benign. Last evaluated: 2024-04-10. Review status: criteria provided, single submitter. Criteria: ACMG Guidelines, 2015. Collection method: clinical testing. Allele origin: germline.

Ambry Genetics
Classification: Likely benign for Inborn genetic diseases. Last evaluated: 2022-04-07. Review status: criteria provided, single submitter. Criteria: Ambry Variant Classification Scheme 2023. Collection method: clinical testing. Allele origin: germline.